The following is an entry in ClinVar:

ClinVar aggregate classification (germline): Uncertain significance. Review status: criteria provided, multiple submitters, no conflicts (2 of 4 stars). 2 submissions from 2 submitters: Uncertain significance (2). Last evaluated 2025-08-24.

Allele frequency attached by ClinVar (database versions not stated): gnomAD exomes 0.00001; ExAC 0.00003; TOPMed 0.00003; gnomAD 0.00004; ESP Exome Variant Server 0.00015.
gnomAD v4.1: 10 of 1,609,990 alleles (0.00062%); highest among the groups gnomAD compares: African/African-American, 0.012%; no homozygotes.

Submissions (2):

Ambry Genetics
Classification: Uncertain significance. Last evaluated: 2025-08-24. Review status: criteria provided, single submitter. Criteria: Ambry Variant Classification Scheme 2023. Collection method: clinical testing. Allele origin: germline.

Labcorp Genetics (formerly Invitae), Labcorp
Classification: Uncertain significance. Last evaluated: 2022-10-19. Review status: criteria provided, single submitter. Criteria: Invitae Variant Classification Sherloc (09022015). Collection method: clinical testing. Allele origin: germline.
Comment: In summary, the available evidence is currently insufficient to determine the role of this variant in disease. Therefore, it has been classified as a Variant of Uncertain Significance. Advanced modeling of protein sequence and biophysical properties (such as structural, functional, and spatial information, amino acid conservation, physicochemical variation, residue mobility, and thermodynamic stability) performed at Invitae indicates that this missense variant is not expected to disrupt ABRAXAS1 protein function. This sequence change replaces valine, which is neutral and non-polar, with isoleucine, which is neutral and non-polar, at codon 97 of the ABRAXAS1 protein (p.Val97Ile). This variant has not been reported in the literature in individuals affected with ABRAXAS1-related conditions. This variant is present in population databases (rs367592316, gnomAD 0.03%).

NM_139076.3(ABRAXAS1):c.289G>A (p.Val97Ile)

Gene: ABRAXAS1 (abraxas 1, BRCA1 A complex subunit; minus strand). Cytogenetic location: 4q21.23.
Variant type: single nucleotide variant.
Coding change: c.289G>A on transcript NM_139076.3 (MANE Select); coding-DNA position 289, G replaced by A.
Protein change: p.Val97Ile; replaces valine 97 with isoleucine.
Molecular consequence: missense variant. On other transcripts: 5 prime UTR variant (1).
Genome position (GRCh38, 1-based): chr4:83,470,390, C>T on the plus strand (G>A on the coding strand, the complement: ABRAXAS1 is on the minus strand). VCF-style: chr4-83470390-C-T. GRCh37 (hg19) VCF-style: chr4-84391543-C-T.
Other names: c.-39G>A (NM_001345962.2); short protein forms V97I.
Identifiers: ClinVar variation 2199638 (VCV002199638.6), dbSNP rs367592316, ClinGen allele CA2990578.